The following is an entry in ClinVar:

ClinVar aggregate classification (germline): Uncertain significance (1 of 4 stars; one submission).

Conditions:
Brugada syndrome 5 (BRGDA5). Identifiers: Orphanet 130, Orphanet 871, MedGen C2748541, MONDO:0013015, OMIM 612838.

Submission:

Labcorp Genetics (formerly Invitae), Labcorp
Classification: Uncertain significance for Brugada syndrome 5. Last evaluated: 2026-01-12. Review status: criteria provided, single submitter. Criteria: Invitae Variant Classification Sherloc (09022015). Collection method: clinical testing. Allele origin: germline.
Comment: This sequence change replaces threonine, which is neutral and polar, with serine, which is neutral and polar, at codon 230 of the SCN1B protein (p.Thr230Ser). This variant is not present in population databases (gnomAD no frequency). This variant has not been reported in the literature in individuals affected with SCN1B-related conditions. An algorithm developed to predict the effect of missense changes on protein structure and function outputs the following: PolyPhen-2: "Benign". The serine amino acid residue is found in multiple mammalian species, which suggests that this missense change does not adversely affect protein function. In summary, the available evidence is currently insufficient to determine the role of this variant in disease. Therefore, it has been classified as a Variant of Uncertain Significance.

NM_001037.5(SCN1B):c.448+240A>T

Gene: SCN1B (sodium voltage-gated channel beta subunit 1; plus strand). Cytogenetic location: 19q13.11.
Variant type: single nucleotide variant.
Coding change: c.448+240A>T on transcript NM_001037.5 (MANE Select); 240 bases into the intron after coding-DNA position 448, A replaced by T.
Molecular consequence: intron variant. On other transcripts: missense variant (1).
Genome position (GRCh38, 1-based): chr19:35,033,979, A>T. VCF-style: chr19-35033979-A-T. GRCh37 (hg19) VCF-style: chr19-35524883-A-T.
Other names: c.688A>T, p.Thr230Ser (NM_199037.5); c.349+240A>T (NM_001321605.2); short protein forms T230S.
Identifiers: ClinVar variation 4706860 (VCV004706860.1).